The following is an entry in ClinVar:

ClinVar aggregate classification (germline): Likely pathogenic (1 of 4 stars; one submission).

Conditions:
Cardiovascular phenotype. Identifiers: MedGen CN230736.

Submission:

Ambry Genetics
Classification: Likely pathogenic for Cardiovascular phenotype. Last evaluated: 2018-02-17. Review status: criteria provided, single submitter. Criteria: Ambry Variant Classification Scheme 2023. Collection method: clinical testing. Allele origin: germline.
Comment: The c.29745_29762del18insT variant, located in coding exon 118 of the TTN gene, results from the deletion of 18 nucleotides and insertion of one nucleotide causing a translational frameshift with a predicted alternate stop codon (p.A9916Nfs*16). This exon is located in the A-band region of the N2-B isoform of the titin protein and is constitutively expressed in TTN transcripts (percent spliced in or PSI 100%). While truncating variants in TTN are present in 1-3% of the general population, truncating variants in the A-band are the most common cause of dilated cardiomyopathy (DCM) (Herman DS et al. N. Engl. J. Med. 2012 Feb;366:619-28; Roberts AM et al. Sci Transl Med. 2015 Jan;7:270ra6). TTN truncating variants encoded in constitutive exons (PSI >90%) have been found to be significantly associated with DCM regardless of their position in titin (Schafer S et al. Nat. Genet. 2017 Jan;49:46-53). This alteration is expected to result in loss of function by premature protein truncation or nonsense-mediated mRNA decay. As such, this alteration is classified as likely pathogenic.

NM_001267550.2(TTN):c.56940_56957delinsT (p.Ala18981fs)

Genes: TTN (titin; minus strand), TTN-AS1 (TTN antisense RNA 1; plus strand). Cytogenetic location: 2q31.2.
Variant type: Indel.
Coding change: c.56940_56957delinsT on transcript NM_001267550.2 (MANE Select); coding-DNA positions 56940 to 56957, AGCGACTGCTAGAGATCC replaced by T.
Protein change: p.Ala18981fs; shifts the reading frame from alanine 18981.
Molecular consequence: frameshift variant.
Genome position (GRCh38, 1-based): chr2:178,598,753-178,598,770, GGATCTCTAGCAGTCGCT replaced by A on the plus strand (AGCGACTGCTAGAGATCC replaced by T on the coding strand, the reverse complement: TTN is on the minus strand). VCF-style: chr2-178598753-GGATCTCTAGCAGTCGCT-A. GRCh37 (hg19) VCF-style: chr2-179463480-GGATCTCTAGCAGTCGCT-A.
Other names: c.52017_52034delinsT, p.Ala17340fs (NM_001256850.1); c.29745_29762delinsT, p.Ala9916fs (NM_003319.4); c.49236_49253delinsT, p.Ala16413fs (NM_133378.4); c.30120_30137delinsT, p.Ala10041fs (NM_133432.3); c.30321_30338delinsT, p.Ala10108fs (NM_133437.4); c.29745_29762del18insT (NM_003319.4); short protein forms A10108fs, A10041fs, A16413fs, A9916fs, A17340fs, A18981fs.
Identifiers: ClinVar variation 1798314 (VCV001798314.2), dbSNP rs2469861021, ClinGen allele CA2580064845.
Genomic context (GRCh38, chr2:178,598,753, plus strand): 5'-CCAAGGCACTTTTGGAAAATAAGATTTAAAAAAAAGGAATGGTTTCCAGGCTTACCAATT[GGATCTCTAGCAGTCGCT>A]GGGTCTGATGGCAGACTTGCTGGACCCACGCCAGCAGCATTGATTGCATATACCCGGAAT-3'